The following is an entry in ClinVar:

NM_001025356.3(ANO6):c.2049T>C (p.Ser683=)

Gene: ANO6 (anoctamin 6; plus strand). Cytogenetic location: 12q12.
Variant type: single nucleotide variant.
Coding change: c.2049T>C on transcript NM_001025356.3 (MANE Select); coding-DNA position 2049, T replaced by C.
Protein change: p.Ser683=; no amino-acid change (serine 683 retained).
Molecular consequence: synonymous variant.
Genome position (GRCh38, 1-based): chr12:45,416,736, T>C. VCF-style: chr12-45416736-T-C. GRCh37 (hg19) VCF-style: chr12-45810519-T-C.
Other names: c.1995T>C, p.Ser665= (NM_001142678.2); c.2049T>C, p.Ser683= (NM_001142679.2); c.2112T>C, p.Ser704= (NM_001204803.2); c.2016T>C, p.Ser672= (NM_001410973.1).
Identifiers: ClinVar variation 3029058 (VCV003029058.4), dbSNP rs146513491, ClinGen allele CA6525510.
Genomic context (GRCh38, chr12:45,416,736, plus strand): 5'-ATGTGTGTCCATTCCATTGACAGTTATTCAGTTTGGGTTCGTCACCTTATTTGTGGCCTC[T>C]TTTCCACTGGCCCCTCTGTTGGCTCTCGTGAACAATATATTGGAAATAAGAGTGGACGCA-3'
Protein context (NP_001020527.2, residues 673-693): QFGFVTLFVA[Ser683=]FPLAPLLALV

ClinVar aggregate classification (germline): Likely benign. Review status: criteria provided, single submitter (1 of 4 stars). 2 submissions from 2 submitters: Likely benign (1). 1 of the submissions does not count toward it. Last evaluated 2025-07-27.

Conditions:
ANO6-related disorder. Also called: ANO6-related condition.

Allele frequency attached by ClinVar (database versions not stated): ExAC 0.00004; 1000 Genomes Project 30x 0.00031; gnomAD 0.00007; TOPMed 0.00012; ESP Exome Variant Server 0.00015; gnomAD exomes 0.00001; 1000 Genomes Project 0.00020.
gnomAD v4.1: 19 of 1,614,160 alleles (0.0012%); highest among the groups gnomAD compares: African/African-American, 0.024%; no homozygotes.

Submissions (2):

Labcorp Genetics (formerly Invitae), Labcorp
Classification: Likely benign. Last evaluated: 2025-07-27. Review status: criteria provided, single submitter. Criteria: Invitae Variant Classification Sherloc (09022015). Collection method: clinical testing. Allele origin: germline.

PreventionGenetics, part of Exact Sciences
Classification: Likely benign for ANO6-related condition. Last evaluated: 2023-03-09. Review status: no assertion criteria provided. Collection method: clinical testing. Allele origin: germline. Not counted in ClinVar's aggregate classification.
Comment: This variant is classified as likely benign based on ACMG/AMP sequence variant interpretation guidelines (Richards et al. 2015 PMID: 25741868, with internal and published modifications).